The following is an entry in ClinVar:

ClinVar aggregate classification (germline): Conflicting classifications of pathogenicity. Review status: criteria provided, conflicting classifications (1 of 4 stars). 2 submissions from 2 submitters: Uncertain significance (1); Likely benign (1). Last evaluated 2024-05-15.

Conditions:
Cardiovascular phenotype. Identifiers: MedGen CN230736.

Allele frequency attached by ClinVar (database versions not stated): ExAC 0.00033.
gnomAD v4.1: 104 of 1,547,642 alleles (0.0067%); highest among the groups gnomAD compares: South Asian, 0.085%; no homozygotes.

Submissions (2):

Ambry Genetics
Classification: Likely benign for Cardiovascular phenotype. Last evaluated: 2024-05-15. Review status: criteria provided, single submitter. Criteria: Ambry Variant Classification Scheme 2023. Collection method: clinical testing. Allele origin: germline.

Labcorp Genetics (formerly Invitae), Labcorp
Classification: Uncertain significance. Last evaluated: 2022-08-22. Review status: criteria provided, single submitter. Criteria: Invitae Variant Classification Sherloc (09022015). Collection method: clinical testing. Allele origin: germline.
Comment: This sequence change replaces arginine, which is basic and polar, with proline, which is neutral and non-polar, at codon 2879 of the ZNF469 protein (p.Arg2879Pro). This variant is present in population databases (rs756344990, gnomAD 0.06%). This missense change has been observed in individual(s) with keratoconus (PMID: 28622062). Algorithms developed to predict the effect of missense changes on protein structure and function (SIFT, PolyPhen-2, Align-GVGD) all suggest that this variant is likely to be tolerated. In summary, the available evidence is currently insufficient to determine the role of this variant in disease. Therefore, it has been classified as a Variant of Uncertain Significance.

Literature cited by the submitters: PubMed 28622062 (cited by Labcorp Genetics (formerly Invitae), Labcorp).

NM_001367624.2(ZNF469):c.8720G>C (p.Arg2907Pro)

Gene: ZNF469 (zinc finger protein 469; plus strand). Cytogenetic location: 16q24.2.
Variant type: single nucleotide variant.
Coding change: c.8720G>C on transcript NM_001367624.2 (MANE Select); coding-DNA position 8720, G replaced by C.
Protein change: p.Arg2907Pro; replaces arginine 2907 with proline.
Molecular consequence: missense variant.
Genome position (GRCh38, 1-based): chr16:88,436,190, G>C. VCF-style: chr16-88436190-G-C. GRCh37 (hg19) VCF-style: chr16-88502598-G-C.
Other names: NM_001127464.1:c.8636G>C; short protein forms R2907P.
Identifiers: ClinVar variation 1764120 (VCV001764120.5), dbSNP rs756344990, ClinGen allele CA8225364.